The following is an entry in ClinVar:

NM_000353.3(TAT):c.339C>T (p.Ile113=)

Gene: TAT (tyrosine aminotransferase; minus strand). Cytogenetic location: 16q22.2.
Variant type: single nucleotide variant.
Coding change: c.339C>T on transcript NM_000353.3 (MANE Select); coding-DNA position 339, C replaced by T.
Protein change: p.Ile113=; no amino-acid change (isoleucine 113 retained).
Molecular consequence: synonymous variant.
Genome position (GRCh38, 1-based): chr16:71,575,923, G>A on the plus strand (C>T on the coding strand, the complement: TAT is on the minus strand). VCF-style: chr16-71575923-G-A. GRCh37 (hg19) VCF-style: chr16-71609826-G-A.
Identifiers: ClinVar variation 1462955 (VCV001462955.26), dbSNP rs764951157, ClinGen allele CA8154017.

ClinVar aggregate classification (germline): Conflicting classifications of pathogenicity. Review status: criteria provided, conflicting classifications (1 of 4 stars). 2 submissions from 2 submitters: Uncertain significance (1); Likely benign (1). Last evaluated 2022-05-01.

Conditions:
Tyrosinemia type II (TYRSN2). Also called: KERATOSIS PALMOPLANTARIS WITH CORNEAL DYSTROPHY; OREGON TYPE TYROSINEMIA; TAT DEFICIENCY; TYROSINE AMINOTRANSFERASE DEFICIENCY; TYROSINE TRANSAMINASE DEFICIENCY. Identifiers: Orphanet 28378, MedGen C0268487, MONDO:0010160, OMIM 276600.

Allele frequency attached by ClinVar (database versions not stated): gnomAD 0.00003; TOPMed 0.00004; gnomAD exomes 0.00005 and 0.00006; ExAC 0.00007.
gnomAD v4.1: 70 of 1,613,946 alleles (0.0043%); highest among the groups gnomAD compares: East Asian, 0.016%; no homozygotes.

Submissions (2):

CeGaT Center for Human Genetics Tuebingen
Classification: Likely benign. Last evaluated: 2022-05-01. Review status: criteria provided, single submitter. Criteria: CeGaT Center For Human Genetics Tuebingen Variant Classification Criteria Version 2. Collection method: clinical testing. Allele origin: germline. Affected: yes. Observed: 1 variant allele.
Comment: TAT: BP4, BP7

Labcorp Genetics (formerly Invitae), Labcorp
Classification: Uncertain significance for Tyrosinemia type II. Last evaluated: 2022-02-28. Review status: criteria provided, single submitter. Criteria: Invitae Variant Classification Sherloc (09022015). Collection method: clinical testing. Allele origin: germline.
Comment: This sequence change affects codon 113 of the TAT mRNA. It is a 'silent' change, meaning that it does not change the encoded amino acid sequence of the TAT protein. It affects a nucleotide within the consensus splice site. This variant is present in population databases (rs764951157, gnomAD 0.03%). This variant has not been reported in the literature in individuals affected with TAT-related conditions. Algorithms developed to predict the effect of sequence changes on RNA splicing suggest that this variant is not likely to affect RNA splicing. In summary, the available evidence is currently insufficient to determine the role of this variant in disease. Therefore, it has been classified as a Variant of Uncertain Significance.